The following is an entry in ClinVar:

ClinVar aggregate classification (germline): Uncertain significance. Review status: criteria provided, multiple submitters, no conflicts (2 of 4 stars). 2 submissions from 2 submitters: Uncertain significance (2). Last evaluated 2025-04-25.

Conditions:
Inborn genetic diseases. Identifiers: MedGen C0950123, MeSH D030342.

Allele frequency attached by ClinVar (database versions not stated): gnomAD 0.00001; TOPMed 0.00002; gnomAD exomes 0.00011 and 0.00005; ExAC 0.00015.
gnomAD v4.1: 71 of 1,613,458 alleles (0.0044%); highest among the groups gnomAD compares: South Asian, 0.073%; 2 homozygotes.

Submissions (2):

Ambry Genetics
Classification: Uncertain significance for Inborn genetic diseases. Last evaluated: 2025-04-25. Review status: criteria provided, single submitter. Criteria: Ambry Variant Classification Scheme 2023. Collection method: clinical testing. Allele origin: germline.

Labcorp Genetics (formerly Invitae), Labcorp
Classification: Uncertain significance. Last evaluated: 2021-11-07. Review status: criteria provided, single submitter. Criteria: Invitae Variant Classification Sherloc (09022015). Collection method: clinical testing. Allele origin: germline.
Comment: In summary, the available evidence is currently insufficient to determine the role of this variant in disease. Therefore, it has been classified as a Variant of Uncertain Significance. Algorithms developed to predict the effect of missense changes on protein structure and function (SIFT, PolyPhen-2, Align-GVGD) all suggest that this variant is likely to be tolerated. This variant has not been reported in the literature in individuals affected with DNAH9-related conditions. This variant is present in population databases (rs563643312, gnomAD 0.09%). This sequence change replaces lysine, which is basic and polar, with threonine, which is neutral and polar, at codon 904 of the DNAH9 protein (p.Lys904Thr).

NM_001372.4(DNAH9):c.2711A>C (p.Lys904Thr)

Gene: DNAH9 (dynein axonemal heavy chain 9; plus strand). Cytogenetic location: 17p12.
Variant type: single nucleotide variant.
Coding change: c.2711A>C on transcript NM_001372.4 (MANE Select); coding-DNA position 2711, A replaced by C.
Protein change: p.Lys904Thr; replaces lysine 904 with threonine.
Molecular consequence: missense variant.
Genome position (GRCh38, 1-based): chr17:11,664,948, A>C. VCF-style: chr17-11664948-A-C. GRCh37 (hg19) VCF-style: chr17-11568265-A-C.
Other names: c.2711A>C (NM_001372.3); short protein forms K904T.
Identifiers: ClinVar variation 1450336 (VCV001450336.5), dbSNP rs563643312, ClinGen allele CA8395251.
Genomic context (GRCh38, chr17:11,664,948, plus strand): 5'-TTAACTCTATTGACAATTTGTTGCTGAATGGATTCTTTCTTGCCATTGAGTGCTCCCTCA[A>C]GTATCTTCTGGAAAATACTGGTACTTACTGGCTTATGGATGTGGGTTATTATTGGAAAGA-3'
Protein context (NP_001363.2, residues 894-914): GFFLAIECSL[Lys904Thr]YLLENTECKA